The following is an entry in ClinVar:

ClinVar aggregate classification (germline): Uncertain significance (1 of 4 stars; one submission).

Conditions:
Hypertrophic cardiomyopathy. Also called: HYPERTROPHIC MYOCARDIOPATHY. Identifiers: Orphanet 217569, MedGen C0007194, MeSH D002312, MONDO:0005045, HP:0001639.

Submission:

Labcorp Genetics (formerly Invitae), Labcorp
Classification: Uncertain significance for Hypertrophic cardiomyopathy. Last evaluated: 2023-06-29. Review status: criteria provided, single submitter. Criteria: Invitae Variant Classification Sherloc (09022015). Collection method: clinical testing. Allele origin: germline.
Comment: This variant has not been reported in the literature in individuals affected with MYBPC3-related conditions. In summary, the available evidence is currently insufficient to determine the role of this variant in disease. Therefore, it has been classified as a Variant of Uncertain Significance. This variant disrupts a region of the MYBPC3 protein in which other variant(s) (p.Asn850Lys) have been observed in individuals with MYBPC3-related conditions (PMID: 33782553). This suggests that this is a clinically significant region of the protein, and that variants that disrupt it are likely to be disease-causing. Experimental studies and prediction algorithms are not available or were not evaluated, and the functional significance of this variant is currently unknown. This variant is not present in population databases (gnomAD no frequency). This variant, c.2548_2550del, results in the deletion of 1 amino acid(s) of the MYBPC3 protein (p.Asn850del), but otherwise preserves the integrity of the reading frame.

Literature cited by the submitters: PubMed 33782553.

NM_000256.3(MYBPC3):c.2548_2550del (p.Asn850del)

Gene: MYBPC3 (myosin binding protein C3; minus strand). Cytogenetic location: 11p11.2.
Variant type: Deletion.
Coding change: c.2548_2550del on transcript NM_000256.3 (MANE Select); coding-DNA positions 2548 to 2550, 3 bases deleted (AAC; older notation c.2548_2550delAAC).
Protein change: p.Asn850del; deletes asparagine 850.
Molecular consequence: inframe deletion.
Genome position (GRCh38, 1-based): chr11:47,337,443-47,337,445, GTT deleted on the plus strand (AAC on the coding strand, the reverse complement: MYBPC3 is on the minus strand); deleting any 3 consecutive bases within chr11:47,337,443-47,337,446 gives the same sequence; the c. name uses the placement nearest the transcript's 3' end. VCF-style (leftmost placement, unchanged base first): chr11-47337442-CGTT-C. GRCh37 (hg19) VCF-style: chr11-47358993-CGTT-C.
Other names: short protein forms N850del.
Identifiers: ClinVar variation 2724051 (VCV002724051.3), dbSNP rs2495749373, ClinGen allele CA2697548559.